The following is an entry in ClinVar:

NM_015386.3(COG4):c.644A>G (p.Asp215Gly)

Gene: COG4 (component of oligomeric golgi complex 4; minus strand). Cytogenetic location: 16q22.1.
Variant type: single nucleotide variant.
Coding change: c.644A>G on transcript NM_015386.3 (MANE Select); coding-DNA position 644, A replaced by G.
Protein change: p.Asp215Gly; replaces aspartic acid 215 with glycine.
Molecular consequence: missense variant. On other transcripts: non-coding transcript variant (1).
Genome position (GRCh38, 1-based): chr16:70,512,333, T>C on the plus strand (A>G on the coding strand, the complement: COG4 is on the minus strand). VCF-style: chr16-70512333-T-C. GRCh37 (hg19) VCF-style: chr16-70546236-T-C.
Other names: c.632A>G, p.Asp211Gly (NM_001195139.2); c.218A>G, p.Asp73Gly (NM_001365426.1); short protein forms D215G, D73G, D211G.
Identifiers: ClinVar variation 2511684 (VCV002511684.3), dbSNP rs572218137, ClinGen allele CA283452733.

ClinVar aggregate classification (germline): Uncertain significance. Review status: criteria provided, multiple submitters, no conflicts (2 of 4 stars). 2 submissions from 2 submitters: Uncertain significance (2). Last evaluated 2025-07-02.

Conditions:
Inborn genetic diseases. Identifiers: MedGen C0950123, MeSH D030342.
COG4-congenital disorder of glycosylation. Also called: COG4-CDG; CONGENITAL DISORDER OF GLYCOSYLATION, TYPE IIj; CDG IIj. Identifiers: Orphanet 263501, MedGen C4303552, MONDO:0013281, OMIM 613489.

Allele frequency attached by ClinVar (database versions not stated): gnomAD exomes below 0.00001; gnomAD 0.00006; 1000 Genomes Project 30x 0.00016; TOPMed 0.00016; 1000 Genomes Project 0.00020.
gnomAD v4.1: 14 of 1,614,106 alleles (0.00087%); highest among the groups gnomAD compares: Admixed American, 0.022%; no homozygotes.

Submissions (2):

Labcorp Genetics (formerly Invitae), Labcorp
Classification: Uncertain significance for COG4-congenital disorder of glycosylation. Last evaluated: 2025-07-02. Review status: criteria provided, single submitter. Criteria: Invitae Variant Classification Sherloc (09022015). Collection method: clinical testing. Allele origin: germline.
Comment: This sequence change replaces aspartic acid, which is acidic and polar, with glycine, which is neutral and non-polar, at codon 215 of the COG4 protein (p.Asp215Gly). This variant is present in population databases (rs572218137, gnomAD 0.006%). This variant has not been reported in the literature in individuals affected with COG4-related conditions. ClinVar contains an entry for this variant (Variation ID: 2511684). Invitae Evidence Modeling of protein sequence and biophysical properties (such as structural, functional, and spatial information, amino acid conservation, physicochemical variation, residue mobility, and thermodynamic stability) indicates that this missense variant is expected to disrupt COG4 protein function with a positive predictive value of 80%. In summary, the available evidence is currently insufficient to determine the role of this variant in disease. Therefore, it has been classified as a Variant of Uncertain Significance.

Ambry Genetics
Classification: Uncertain significance for Inborn genetic diseases. Last evaluated: 2023-05-17. Review status: criteria provided, single submitter. Criteria: Ambry Variant Classification Scheme 2023. Collection method: clinical testing. Allele origin: germline.